The following is an entry in ClinVar:

ClinVar aggregate classification (germline): Uncertain significance (1 of 4 stars; one submission).

gnomAD v4.1: 18 of 1,209,368 alleles (0.0015%); highest among the groups gnomAD compares: Non-Finnish European, 0.002%; no homozygotes.

Submission:

Ambry Genetics
Classification: Uncertain significance. Last evaluated: 2026-04-28. Review status: criteria provided, single submitter. Criteria: Ambry Variant Classification Scheme 2023. Collection method: clinical testing. Allele origin: germline.
Comment: The c.644T>C (p.M215T) alteration is located in exon 4 (coding exon 1) of the ZCCHC12 gene. This alteration results from a T to C substitution at nucleotide position 644, causing the methionine (M) at amino acid position 215 to be replaced by a threonine (T). Based on data from gnomAD, the C allele has an overall frequency of 0.001% (2/183148) total alleles studied. The highest observed frequency was 0.002% (2/81721) of European (non-Finnish) alleles. Based on insufficient or conflicting evidence, the clinical significance of this alteration remains unclear.

NM_173798.4(ZCCHC12):c.644T>C (p.Met215Thr)

Gene: ZCCHC12 (zinc finger CCHC-type containing 12; plus strand). Cytogenetic location: Xq24.
Variant type: single nucleotide variant.
Coding change: c.644T>C on transcript NM_173798.4 (MANE Select); coding-DNA position 644, T replaced by C.
Protein change: p.Met215Thr; replaces methionine 215 with threonine.
Molecular consequence: missense variant.
Genome position (GRCh38, 1-based): chrX:118,825,888, T>C. VCF-style: chrX-118825888-T-C. GRCh37 (hg19) VCF-style: chrX-117959851-T-C.
Other names: c.644T>C, p.Met215Thr (NM_001312891.2); short protein forms M215T.
Identifiers: ClinVar variation 4866871 (VCV004866871.1).
Genomic context (GRCh38, chrX:118,825,888, plus strand): 5'-TTCTCAGGATGTATGCAAATGAGCAGGAGCGGCTTCCCAACTTTCTGGAGTTAATCAGAA[T>C]GGTAAGGGAGGAAGAGGATTGGGATGATGCTTTTATTAAACGGAAGCGTCCAAAAAGGTC-3'
Protein context (NP_776159.1, residues 205-225): RLPNFLELIR[Met215Thr]VREEEDWDDA